The following is an entry in ClinVar:

NM_176824.3(BBS7):c.2017A>T (p.Met673Leu)

Gene: BBS7 (Bardet-Biedl syndrome 7; minus strand). Cytogenetic location: 4q27.
Variant type: single nucleotide variant.
Coding change: c.2017A>T on transcript NM_176824.3 (MANE Select); coding-DNA position 2017, A replaced by T.
Protein change: p.Met673Leu; replaces methionine 673 with leucine.
Molecular consequence: missense variant.
Genome position (GRCh38, 1-based): chr4:121,825,991, T>A on the plus strand (A>T on the coding strand, the complement: BBS7 is on the minus strand). VCF-style: chr4-121825991-T-A. GRCh37 (hg19) VCF-style: chr4-122747146-T-A.
Other names: short protein forms M673L.
Identifiers: ClinVar variation 1392124 (VCV001392124.5), dbSNP rs1436556570, ClinGen allele CA358053992.

ClinVar aggregate classification (germline): Uncertain significance (1 of 4 stars; one submission).

Conditions:
Bardet-Biedl syndrome (BBS). Identifiers: Orphanet 110, MedGen C0752166, MONDO:0015229.

Allele frequency attached by ClinVar (database versions not stated): gnomAD 0.00001.
gnomAD v4.1: 5 of 1,595,596 alleles (0.00031%); highest among the groups gnomAD compares: Non-Finnish European, 0.00034%; no homozygotes.

Submission:

Labcorp Genetics (formerly Invitae), Labcorp
Classification: Uncertain significance for Bardet-Biedl syndrome. Last evaluated: 2021-08-14. Review status: criteria provided, single submitter. Criteria: Invitae Variant Classification Sherloc (09022015). Collection method: clinical testing. Allele origin: germline.
Comment: This sequence change replaces methionine with leucine at codon 673 of the BBS7 protein (p.Met673Leu). The methionine residue is highly conserved and there is a small physicochemical difference between methionine and leucine. This variant is not present in population databases (ExAC no frequency). This variant has not been reported in the literature in individuals affected with BBS7-related conditions. Algorithms developed to predict the effect of missense changes on protein structure and function (SIFT, PolyPhen-2, Align-GVGD) all suggest that this variant is likely to be tolerated. In summary, the available evidence is currently insufficient to determine the role of this variant in disease. Therefore, it has been classified as a Variant of Uncertain Significance.